The following is an entry in ClinVar:

NM_021620.4(PRDM13):c.629C>A (p.Pro210His)

Gene: PRDM13 (PR/SET domain 13; plus strand). Cytogenetic location: 6q16.2.
Variant type: single nucleotide variant.
Coding change: c.629C>A on transcript NM_021620.4 (MANE Select); coding-DNA position 629, C replaced by A.
Protein change: p.Pro210His; replaces proline 210 with histidine.
Molecular consequence: missense variant.
Genome position (GRCh38, 1-based): chr6:99,613,264, C>A. VCF-style: chr6-99613264-C-A. GRCh37 (hg19) VCF-style: chr6-100061140-C-A.
Other names: short protein forms P210H.
Identifiers: ClinVar variation 1515525 (VCV001515525.8), dbSNP rs770602060, ClinGen allele CA365115815.

ClinVar aggregate classification (germline): Uncertain significance (1 of 4 stars; one submission).

Allele frequency attached by ClinVar (database versions not stated): TOPMed below 0.00001.
gnomAD v4.1: 14 of 1,604,004 alleles (0.00087%); highest among the groups gnomAD compares: Non-Finnish European, 0.0011%; no homozygotes.

Submission:

Labcorp Genetics (formerly Invitae), Labcorp
Classification: Uncertain significance. Last evaluated: 2022-07-12. Review status: criteria provided, single submitter. Criteria: Invitae Variant Classification Sherloc (09022015). Collection method: clinical testing. Allele origin: germline.
Comment: In summary, the available evidence is currently insufficient to determine the role of this variant in disease. Therefore, it has been classified as a Variant of Uncertain Significance. Algorithms developed to predict the effect of missense changes on protein structure and function are either unavailable or do not agree on the potential impact of this missense change (SIFT: "Deleterious"; PolyPhen-2: "Benign"; Align-GVGD: "Class C0"). ClinVar contains an entry for this variant (Variation ID: 1515525). This variant has not been reported in the literature in individuals affected with PRDM13-related conditions. This variant is not present in population databases (gnomAD no frequency). This sequence change replaces proline, which is neutral and non-polar, with histidine, which is basic and polar, at codon 210 of the PRDM13 protein (p.Pro210His).